The following is an entry in ClinVar:

NM_003108.4(SOX11):c.1048AGCAGCGGC[1] (p.350SSG[1])

Gene: SOX11 (SRY-box transcription factor 11; plus strand). Cytogenetic location: 2p25.2.
Variant type: Microsatellite.
Coding change: c.1048AGCAGCGGC[1] on transcript NM_003108.4 (MANE Select); one copy of the 9-base unit AGCAGCGGC starting at c.1048; the reference has two copies in a row; one copy, 9 bases deleted.
Protein change: p.350SSG[1].
Molecular consequence: inframe deletion.
Genome position (GRCh38, 1-based): chr2:5,693,778-5,693,786, AGCAGCGGC deleted; deleting any 9 consecutive bases within chr2:5,693,767-5,693,786 gives the same sequence; the position shown is the placement nearest the transcript's 3' end. VCF-style (leftmost placement, unchanged base first): chr2-5693766-AGCAGCAGCG-A. GRCh37 (hg19) VCF-style: chr2-5833898-AGCAGCAGCG-A.
Identifiers: ClinVar variation 2965804 (VCV002965804.3), dbSNP rs756643372, ClinGen allele CA1517980.
Genomic context (GRCh38, chr2:5,693,766, plus strand): 5'-CCCGCGCTGTCGCCCGCGTCCTCGCGCTCGGTGTCCACCTCCTCGTCCAGCAGCAGCGGC[AGCAGCAGCG>A]GCAGCAGCGGCGAGGACGCCGACGACCTGATGTTCGACCTGAGCTTGAATTTCTCTCAAA-3'

ClinVar aggregate classification (germline): Uncertain significance (1 of 4 stars; one submission).

Submission:

Labcorp Genetics (formerly Invitae), Labcorp
Classification: Uncertain significance. Last evaluated: 2022-12-17. Review status: criteria provided, single submitter. Criteria: Invitae Variant Classification Sherloc (09022015). Collection method: clinical testing. Allele origin: germline.
Comment: This variant, c.1057_1065del, results in the deletion of 3 amino acid(s) of the SOX11 protein (p.Ser353_Gly355del), but otherwise preserves the integrity of the reading frame. This variant is not present in population databases (gnomAD no frequency). This variant has not been reported in the literature in individuals affected with SOX11-related conditions. Experimental studies and prediction algorithms are not available or were not evaluated, and the functional significance of this variant is currently unknown. In summary, the available evidence is currently insufficient to determine the role of this variant in disease. Therefore, it has been classified as a Variant of Uncertain Significance.